The following is an entry in ClinVar:

ClinVar aggregate classification (germline): Uncertain significance (1 of 4 stars; one submission).

Submission:

Greenwood Genetic Center Diagnostic Laboratories, Greenwood Genetic Center
Classification: Uncertain significance. Last evaluated: 2024-05-08. Review status: criteria provided, single submitter. Criteria: ACMG Guidelines, 2015. Collection method: clinical testing. Allele origin: germline. Affected: yes.
Comment: PM2

NM_001012426.2(FOXP4):c.1081G>C (p.Glu361Gln)

Gene: FOXP4 (forkhead box P4; plus strand). Cytogenetic location: 6p21.1.
Variant type: single nucleotide variant.
Coding change: c.1081G>C on transcript NM_001012426.2 (MANE Select); coding-DNA position 1081, G replaced by C.
Protein change: p.Glu361Gln; replaces glutamic acid 361 with glutamine.
Molecular consequence: missense variant.
Genome position (GRCh38, 1-based): chr6:41,589,786, G>C. VCF-style: chr6-41589786-G-C. GRCh37 (hg19) VCF-style: chr6-41557524-G-C.
Other names: c.1075G>C, p.Glu359Gln (NM_001012427.2); c.1081G>C, p.Glu361Gln (NM_001405824.1); c.985G>C, p.Glu329Gln (NM_001405825.1, NM_001405826.1); c.1078G>C, p.Glu360Gln (NM_138457.3); short protein forms E329Q, E359Q, E360Q, E361Q.
Identifiers: ClinVar variation 3338491 (VCV003338491.1).